The following is an entry in ClinVar:

ClinVar aggregate classification (germline): Pathogenic (1 of 4 stars; one submission).

Conditions:
Glycogen storage disease type III (GSD3). Also called: FORBES DISEASE; Cori disease. Identifiers: Orphanet 366, MedGen C0017922, MONDO:0009291, OMIM 232400.

Submission:

Labcorp Genetics (formerly Invitae), Labcorp
Classification: Pathogenic for Glycogen storage disease type III. Last evaluated: 2025-10-13. Review status: criteria provided, single submitter. Criteria: Invitae Variant Classification Sherloc (09022015). Collection method: clinical testing. Allele origin: germline.
Comment: This sequence change creates a premature translational stop signal (p.Gln765*) in the AGL gene. It is expected to result in an absent or disrupted protein product. Loss-of-function variants in AGL are known to be pathogenic (PMID: 19299494). This variant is not present in population databases (gnomAD no frequency). This premature translational stop signal has been observed in individual(s) with AGL-related conditions (PMID: 27106217). For these reasons, this variant has been classified as Pathogenic.

Literature cited by the submitters: PubMed 19299494; PubMed 27106217.

NM_000642.3(AGL):c.2293C>T (p.Gln765Ter)

Gene: AGL (amylo-alpha-1,6-glucosidase and 4-alpha-glucanotransferase; plus strand). Cytogenetic location: 1p21.2.
Variant type: single nucleotide variant.
Coding change: c.2293C>T on transcript NM_000642.3 (MANE Select); coding-DNA position 2293, C replaced by T.
Protein change: p.Gln765Ter; replaces glutamine 765 with a stop codon.
Molecular consequence: nonsense.
Genome position (GRCh38, 1-based): chr1:99,881,676, C>T. VCF-style: chr1-99881676-C-T. GRCh37 (hg19) VCF-style: chr1-100347232-C-T.
Other names: c.2293C>T, p.Gln765Ter (NM_000028.3, NM_000643.3, NM_000644.3 and 2 more transcripts); c.2245C>T, p.Gln749Ter (NM_000646.3); c.2092C>T, p.Gln698Ter (NM_001425327.1); c.2089C>T, p.Gln697Ter (NM_001425328.1, NM_001425329.1); c.1915C>T, p.Gln639Ter (NM_001425332.1); short protein forms Q697*, Q765*, Q698*, Q639*, Q749*.
Identifiers: ClinVar variation 4746872 (VCV004746872.1).